The following is an entry in ClinVar:

ClinVar aggregate classification (germline): Pathogenic. Review status: reviewed by expert panel (3 of 4 stars). 9 submissions from 9 submitters: Pathogenic (1). 8 of the submissions do not count toward it. Last evaluated 2018-08-10.

Conditions:
Phenylketonuria (PKU). Also called: Phenylketonuria (PKU); FOLLING DISEASE; OLIGOPHRENIA PHENYLPYRUVICA; Phenylketonurias. Identifiers: Orphanet 716, MedGen C0031485, MONDO:0009861, OMIM 261600. Disease mechanism: loss of function.

Allele frequency attached by ClinVar (database versions not stated): ESP Exome Variant Server 0.00015; gnomAD exomes 0.00001 and 0.00004; gnomAD 0.00002 and 0.00001; TOPMed 0.00002; ExAC 0.00003.
gnomAD v4.1: 63 of 1,613,330 alleles (0.0039%); highest among the groups gnomAD compares: Non-Finnish European, 0.0049%; no homozygotes.

Submissions (9):

ClinGen PAH Variant Curation Expert Panel
Classification: Pathogenic for Phenylketonuria. Last evaluated: 2018-08-10. Review status: reviewed by expert panel. Criteria: ClinGen PAH ACMG Specifications v1. Collection method: curation. Allele origin: germline. Inheritance: Autosomal recessive inheritance.
Comment: PAH-specific ACMG/AMP criteria applied: PM2: Extremely low frequency. ExAC MAF=0.00006.; PVS1: Canonical +1 splice site; PP4: Detected in 5 patients with classical PKU. (PMID:8659548). In summary this variant meets criteria to be classified as pathogenic for phenylketonuria in an autosomal recessive manner based on the ACMG/AMP criteria applied as specified by the PAH Expert Panel: (PM2, PVS1, PP4).

3billion
Classification: Pathogenic for Phenylketonuria. Last evaluated: 2026-01-15. Review status: criteria provided, single submitter. Criteria: ACMG Guidelines, 2015. Collection method: clinical testing. Allele origin: germline. Affected: yes. Not counted in ClinVar's aggregate classification.
Comment: The variant is observed at an extremely low frequency in the gnomAD v4.1.0 dataset (total allele frequency: 0.004%). Predicted Consequence/Location: Canonical splice site: predicted to alter splicing and result in a loss or disruption of normal protein function. Multiple pathogenic loss-of-function variants are reported downstream of the variant. In silico tools predict the variant to alter splicing and produce an abnormal transcript [SpliceAI: 0.88 (spliceogenicity >=0.2, non-spliceogenicity <0.1)]. The variant has been reported multiple times as an established pathogenic variant (ClinVar ID: VCV000092752 /PMID: 8659548). Therefore, this variant is classified as Pathogenic according to the recommendation of ACMG/AMP guideline.

Natera, Inc.
Classification: Pathogenic for Phenylketonuria. Last evaluated: 2025-09-10. Review status: criteria provided, single submitter. Criteria: Natera Variant Classification Schema (03/2026). Collection method: clinical testing. Allele origin: germline. Not counted in ClinVar's aggregate classification.
Comment: The c.912+1G>A variant in PAH is a canonical splice donor site variant predicted to affect pre-mRNA splicing, which may result in an abnormal transcript and altered protein product. This variant is expected to result in nonsense mediated decay, truncation, or a dysfunctional protein product. This variant is rare in the general population with a frequency below the threshold expected for the associated phenotype(s). This variant has been observed in one or more individuals affected with the associated recessive disease, as either homozygous or compound heterozygous with a second variant (PMID: 8659548). Given the available evidence, this variant is classified as Pathogenic.

Labcorp Genetics (formerly Invitae), Labcorp
Classification: Pathogenic for Phenylketonuria. Last evaluated: 2025-08-13. Review status: criteria provided, single submitter. Criteria: Invitae Variant Classification Sherloc (09022015). Collection method: clinical testing. Allele origin: germline. Not counted in ClinVar's aggregate classification.
Comment: This sequence change affects a donor splice site in intron 8 of the PAH gene. It is expected to disrupt RNA splicing. Variants that disrupt the donor or acceptor splice site typically lead to a loss of protein function (PMID: 16199547), and loss-of-function variants in PAH are known to be pathogenic (PMID: 1301187, 9634518). This variant is present in population databases (rs62514956, gnomAD 0.003%). Disruption of this splice site has been observed in individuals with phenylketonuria (PMID: 17502162, 26666653). ClinVar contains an entry for this variant (Variation ID: 92752). Algorithms developed to predict the effect of sequence changes on RNA splicing suggest that this variant may disrupt the consensus splice site. For these reasons, this variant has been classified as Pathogenic.

Myriad Genetics, Inc.
Classification: Pathogenic for Phenylketonuria. Last evaluated: 2021-11-10. Review status: criteria provided, single submitter. Criteria: Myriad Women's Health Autosomal Recessive and X-Linked Classification Criteria (2021). Collection method: clinical testing. Allele origin: unknown. Not counted in ClinVar's aggregate classification.
Comment: NM_000277.1(PAH):c.912+1G>A is a canonical splice variant classified as pathogenic in the context of phenylalanine hydroxylase deficiency. c.912+1G>A has been observed in cases with relevant disease (PMID: 11385716, 10598814, 28982351). Functional assessments of this variant are not available in the literature. c.912+1G>A has been observed in population frequency databases (gnomAD: SAS 0.003%). In summary, NM_000277.1(PAH):c.912+1G>A is a canonical splice variant in a gene where loss of function is a known mechanism of disease, is predicted to disrupt protein function, and has been observed more frequently in cases with the relevant disease than in healthy populations. Please note: this variant was assessed in the context of healthy population screening.

GeneDx
Classification: Pathogenic. Last evaluated: 2020-04-22. Review status: criteria provided, single submitter. Criteria: GeneDx Variant Classification Process June 2021. Collection method: clinical testing. Allele origin: germline. Affected: yes. Not counted in ClinVar's aggregate classification.
Comment: Canonical splice site variant predicted to result in a null allele in a gene for which loss-of-function is a known mechanism of disease; Not observed at a significant frequency in large population cohorts (Lek et al., 2016); Not associated with responsiveness to tetrahydrobiopterin (BH4) therapy (Sarkissian et al., 2012); This variant is associated with the following publications: (PMID: 25087612, 29316886, 12649065, 25525159, 24368688, 22841515, 26666653, 17502162, 23430918, 26350204, 29353259, 8659548, 30275481, 32668217)

Eurofins Ntd Llc (ga)
Classification: Pathogenic. Last evaluated: 2017-01-26. Review status: criteria provided, single submitter. Criteria: EGL Classification Definitions 2015. Collection method: clinical testing. Allele origin: germline. Observed: 9 variant alleles, 7 heterozygotes. Not counted in ClinVar's aggregate classification.

Women's Health and Genetics/Laboratory Corporation of America, LabCorp
Classification: Pathogenic for Phenylketonuria. Last evaluated: 2016-01-21. Review status: criteria provided, single submitter. Criteria: LabCorp Variant Classification Summary - May 2015. Collection method: clinical testing. Allele origin: germline. Not counted in ClinVar's aggregate classification.
Comment: Variant summary: This c.912+1G>A variant affects a conserved nucleotide in the canonical splice donor site at intron 8. Thus it is predicted to affect normal splicing (such as exon skipping), resulting in loss of function. Loss-of-function due to mutations in this gene is an established disease mechanism in Phenylketoneuria. 5/5 in silico programs via Alamut predict that this variant abrogates the splice donor site. This variant was found in 4/121156 control chromosomes (including broad and large populations from ExAC) at a frequency of 0.000033, which does not exceed the maximal expected frequency of a pathogenic allele (0.0079057) in this gene. This variant has been reported in several PKU patients, including patients with concordant recessive genotypes. One clinical lab and reputable databases have classified this variant as pathogenic. Taken together, this variant has been classified as a Pathogenic.

DeBelle Laboratory for Biochemical Genetics, MUHC/MCH RESEARCH INSTITUTE
No classification provided. Review status: no classification provided. Collection method: not provided. Allele origin: not provided. Not counted in ClinVar's aggregate classification.

Literature cited by the submitters: PubMed 8659548 (cited by 5 submitters); PubMed 16199547 (cited by Labcorp Genetics (formerly Invitae), Labcorp); PubMed 1301187 (cited by Labcorp Genetics (formerly Invitae), Labcorp); PubMed 9634518 (cited by Labcorp Genetics (formerly Invitae), Labcorp and Eurofins Ntd Llc (ga)); PubMed 17502162 (cited by Labcorp Genetics (formerly Invitae), Labcorp and Women's Health and Genetics/Laboratory Corporation of America, LabCorp); PubMed 26666653 (cited by Labcorp Genetics (formerly Invitae), Labcorp); PubMed 28982351 (cited by Myriad Genetics, Inc.); PubMed 10598814 (cited by Myriad Genetics, Inc.); PubMed 11385716 (cited by Myriad Genetics, Inc.); PubMed 12649065 (cited by Women's Health and Genetics/Laboratory Corporation of America, LabCorp); PubMed 22841515 (cited by Women's Health and Genetics/Laboratory Corporation of America, LabCorp).

NM_000277.3(PAH):c.912+1G>A

Genes: PAH (phenylalanine hydroxylase; minus strand), LOC126861615 (CDK7 strongly-dependent group 2 enhancer GRCh37_chr12:103244689-103245888; plus strand). Cytogenetic location: 12q23.2.
Variant type: single nucleotide variant.
Coding change: c.912+1G>A on transcript NM_000277.3 (MANE Select); the canonical splice donor site of the intron after coding-DNA position 912, G replaced by A.
Molecular consequence: splice donor variant.
Genome position (GRCh38, 1-based): chr12:102,851,686, C>T on the plus strand (G>A on the coding strand, the complement: PAH is on the minus strand). VCF-style: chr12-102851686-C-T. GRCh37 (hg19) VCF-style: chr12-103245464-C-T.
Other names: NM_000277.2(PAH):c.912+1G>A; c.912+1G>A (NM_001354304.2, NM_000277.2).
Identifiers: ClinVar variation 92752 (VCV000092752.26), dbSNP rs62514956, ClinGen allele CA220591.